The following is an entry in ClinVar:

NM_003239.5(TGFB3):c.155G>C (p.Arg52Thr)

Gene: TGFB3 (transforming growth factor beta 3; minus strand). Cytogenetic location: 14q24.3.
Variant type: single nucleotide variant.
Coding change: c.155G>C on transcript NM_003239.5 (MANE Select); coding-DNA position 155, G replaced by C.
Protein change: p.Arg52Thr; replaces arginine 52 with threonine.
Molecular consequence: missense variant.
Genome position (GRCh38, 1-based): chr14:75,980,739, C>G on the plus strand (G>C on the coding strand, the complement: TGFB3 is on the minus strand). VCF-style: chr14-75980739-C-G. GRCh37 (hg19) VCF-style: chr14-76447082-C-G.
Other names: c.155G>C, p.Arg52Thr (NM_001329938.2, NM_001329939.2); short protein forms R52T.
Identifiers: ClinVar variation 1006240 (VCV001006240.9), dbSNP rs2035417379, ClinGen allele CA390471535.
Genomic context (GRCh38, chr14:75,980,739, plus strand): 5'-AGGGCCAGGACCTGATAGGGGACGTGGGTCATCACCGTTGGCTCAGGGGGGCTGGTGAGC[C>G]TGAGCTTGCTCAAGATCTGTCCCCTAATGGCTTCCACCCTCTTCTTCTTGATGTGGCCGA-3'
Protein context (NP_003230.1, residues 42-62): AIRGQILSKL[Arg52Thr]LTSPPEPTVM

ClinVar aggregate classification (germline): Uncertain significance (1 of 4 stars; one submission).

Conditions:
Rienhoff syndrome. Also called: LOEYS-DIETZ SYNDROME 5. Identifiers: MedGen C3810012, MONDO:0014262, OMIM 615582.

Submission:

Labcorp Genetics (formerly Invitae), Labcorp
Classification: Uncertain significance for Rienhoff syndrome. Last evaluated: 2020-08-19. Review status: criteria provided, single submitter. Criteria: Invitae Variant Classification Sherloc (09022015). Collection method: clinical testing. Allele origin: germline.
Comment: This sequence change replaces arginine with threonine at codon 52 of the TGFB3 protein (p.Arg52Thr). The arginine residue is highly conserved and there is a moderate physicochemical difference between arginine and threonine. This variant is not present in population databases (ExAC no frequency). This variant has not been reported in the literature in individuals with TGFB3-related conditions. Algorithms developed to predict the effect of missense changes on protein structure and function are either unavailable or do not agree on the potential impact of this missense change (SIFT: "Tolerated"; PolyPhen-2: "Probably Damaging"; Align-GVGD: "Class C0"). In summary, the available evidence is currently insufficient to determine the role of this variant in disease. Therefore, it has been classified as a Variant of Uncertain Significance.